The following is an entry in ClinVar:

ClinVar aggregate classification (germline): Uncertain significance (1 of 4 stars; one submission).

gnomAD v4.1: 5 of 1,515,402 alleles (0.00033%); highest among the groups gnomAD compares: Non-Finnish European, 0.00044%; no homozygotes.

Submission:

Labcorp Genetics (formerly Invitae), Labcorp
Classification: Uncertain significance. Last evaluated: 2022-03-31. Review status: criteria provided, single submitter. Criteria: Invitae Variant Classification Sherloc (09022015). Collection method: clinical testing. Allele origin: germline.
Comment: This sequence change replaces arginine, which is basic and polar, with threonine, which is neutral and polar, at codon 947 of the ZNF469 protein (p.Arg947Thr). The frequency data for this variant in the population databases is considered unreliable, as metrics indicate poor data quality at this position in the gnomAD database. This variant has not been reported in the literature in individuals affected with ZNF469-related conditions. Algorithms developed to predict the effect of missense changes on protein structure and function are either unavailable or do not agree on the potential impact of this missense change (SIFT: "Tolerated"; PolyPhen-2: "Possibly Damaging"; Align-GVGD: "Class C0"). In summary, the available evidence is currently insufficient to determine the role of this variant in disease. Therefore, it has been classified as a Variant of Uncertain Significance.

NM_001367624.2(ZNF469):c.2840G>C (p.Arg947Thr)

Gene: ZNF469 (zinc finger protein 469; plus strand). Cytogenetic location: 16q24.2.
Variant type: single nucleotide variant.
Coding change: c.2840G>C on transcript NM_001367624.2 (MANE Select); coding-DNA position 2840, G replaced by C.
Protein change: p.Arg947Thr; replaces arginine 947 with threonine.
Molecular consequence: missense variant.
Genome position (GRCh38, 1-based): chr16:88,430,310, G>C. VCF-style: chr16-88430310-G-C. GRCh37 (hg19) VCF-style: chr16-88496718-G-C.
Other names: short protein forms R947T.
Identifiers: ClinVar variation 2068821 (VCV002068821.1), dbSNP rs1397809125, ClinGen allele CA397075748.
Genomic context (GRCh38, chr16:88,430,310, plus strand): 5'-GTTCCCTGGGTCTGGCCCCCACCGAGGCGGATGCGCCCAGCCAGGGCAGGCAGCAGAGGA[G>C]GGGGAAGCAGTTGAAGCTGTTCCGGAAGGATCTGGACTCGGGCGGCGCAGCAGAGGGGTC-3'
Protein context (NP_001354553.1, residues 937-957): DAPSQGRQQR[Arg947Thr]GKQLKLFRKD